The following is an entry in ClinVar:

NM_001009944.3(PKD1):c.1572G>A (p.Ala524=)

Gene: PKD1 (polycystin 1, transient receptor potential channel interacting; minus strand). Cytogenetic location: 16p13.3.
Variant type: single nucleotide variant.
Coding change: c.1572G>A on transcript NM_001009944.3 (MANE Select); coding-DNA position 1572, G replaced by A.
Protein change: p.Ala524=; no amino-acid change (alanine 524 retained).
Molecular consequence: synonymous variant.
Genome position (GRCh38, 1-based): chr16:2,116,867, C>T on the plus strand (G>A on the coding strand, the complement: PKD1 is on the minus strand). VCF-style: chr16-2116867-C-T. GRCh37 (hg19) VCF-style: chr16-2166868-C-T.
Other names: c.1572G>A, p.Ala524= (NM_000296.4).
Identifiers: ClinVar variation 2646028 (VCV002646028.25), dbSNP rs780357671, ClinGen allele CA7833493.

ClinVar aggregate classification (germline): Likely benign. Review status: criteria provided, multiple submitters, no conflicts (2 of 4 stars). 2 submissions from 2 submitters: Likely benign (2). Last evaluated 2023-11-30.

Allele frequency attached by ClinVar (database versions not stated): TOPMed 0.00002; gnomAD 0.00003; ExAC 0.00166.
gnomAD v4.1: 142 of 1,531,526 alleles (0.0093%); highest among the groups gnomAD compares: South Asian, 0.16%; 3 homozygotes.

Submissions (2):

Blueprint Genetics
Classification: Likely benign. Last evaluated: 2023-11-30. Review status: criteria provided, single submitter. Criteria: ACMG Guidelines, 2015. Collection method: clinical testing. Allele origin: germline.

CeGaT Center for Human Genetics Tuebingen
Classification: Likely benign. Last evaluated: 2023-07-01. Review status: criteria provided, single submitter. Criteria: CeGaT Center For Human Genetics Tuebingen Variant Classification Criteria Version 2. Collection method: clinical testing. Allele origin: germline. Affected: yes. Observed: 1 variant allele.
Comment: PKD1: BP4, BP7